The following is an entry in ClinVar:

NM_007194.4(CHEK2):c.1054A>G (p.Asn352Asp)

Gene: CHEK2 (checkpoint kinase 2; minus strand). Cytogenetic location: 22q12.1.
Variant type: single nucleotide variant.
Coding change: c.1054A>G on transcript NM_007194.4 (MANE Select); coding-DNA position 1054, A replaced by G.
Protein change: p.Asn352Asp; replaces asparagine 352 with aspartic acid.
Molecular consequence: missense variant. On other transcripts: intron variant (3).
Genome position (GRCh38, 1-based): chr22:28,696,942, T>C on the plus strand (A>G on the coding strand, the complement: CHEK2 is on the minus strand). VCF-style: chr22-28696942-T-C. GRCh37 (hg19) VCF-style: chr22-29092930-T-C.
Other names: c.1183A>G, p.Asn395Asp (NM_001005735.3); c.391A>G, p.Asn131Asp (NM_001257387.3, NM_001437942.1); c.853A>G, p.Asn285Asp (NM_001349956.3); c.1147A>G, p.Asn383Asp (NM_001438293.1); c.1009-1069A>G (NM_145862.3); c.1102-1069A>G (NM_001438295.1); c.1138-1069A>G (NM_001438294.1); short protein forms N131D, N285D, N352D, N395D, N383D.
Identifiers: ClinVar variation 658105 (VCV000658105.13), dbSNP rs1361935182, ClinGen allele CA411097644.

ClinVar aggregate classification (germline): Uncertain significance. Review status: criteria provided, multiple submitters, no conflicts (2 of 4 stars). 4 submissions from 4 submitters: Uncertain significance (4). Last evaluated 2025-01-28.

Conditions:
CHEK2-related cancer predisposition (TPDS4). Also called: CHEK2-related cancer susceptibility; TUMOR PREDISPOSITION SYNDROME 4; CANCER PREDISPOSITION SYNDROME, CHEK2-RELATED. Identifiers: Orphanet 524, MedGen C5882668, MONDO:0700271, OMIM 609265.
Hereditary cancer-predisposing syndrome. Also called: Hereditary neoplastic syndrome; Neoplastic Syndromes, Hereditary; Hereditary Cancer Syndrome; Tumor predisposition. Identifiers: Orphanet 140162, MedGen C0027672, MeSH D009386, MONDO:0015356.
Familial cancer of breast. Also called: Hereditary breast cancer; hereditary breast carcinoma; BREAST CANCER, FAMILIAL. Identifiers: Orphanet 227535, MedGen C0346153, MONDO:0016419, OMIM 114480. Disease mechanism: loss of function.

Allele frequency attached by ClinVar (database versions not stated): gnomAD 0.00001.
gnomAD v4.1: 1 of 1,613,460 alleles (0.000062%); highest among the groups gnomAD compares: Admixed American, 0.0017%; no homozygotes.

Submissions (4):

Color Diagnostics, LLC DBA Color Health
Classification: Uncertain significance for Hereditary cancer-predisposing syndrome. Last evaluated: 2025-01-28. Review status: criteria provided, single submitter. Criteria: ACMG Guidelines, 2015. Collection method: clinical testing. Allele origin: germline.
Comment: This missense variant replaces asparagine with aspartic acid at codon 352 of the CHEK2 protein. Computational prediction suggests that this variant may have deleterious impact on protein structure and function. Experimental studies have reported this variant as defective in yeast based DNA damage response assays and in vitro kinase assays (PMID: 30851065, 37449874). This variant has not been reported in individuals affected with CHEK2-related disorders in the literature. This variant has not been identified in the general population by the Genome Aggregation Database (gnomAD). The available evidence is insufficient to determine the role of this variant in disease conclusively. Therefore, this variant is classified as a Variant of Uncertain Significance.

Ambry Genetics
Classification: Uncertain significance for Hereditary cancer-predisposing syndrome. Last evaluated: 2023-12-27. Review status: criteria provided, single submitter. Criteria: Ambry Variant Classification Scheme 2023. Collection method: clinical testing. Allele origin: germline.
Comment: The p.N352D variant (also known as c.1054A>G), located in coding exon 9 of the CHEK2 gene, results from an A to G substitution at nucleotide position 1054. The asparagine at codon 352 is replaced by aspartic acid, an amino acid with highly similar properties. This alteration behaved as non-functional in an in vivo, yeast-based growth rate assay (Delimitsou A et al. Hum Mutat, 2019 May;40:631-648). This alteration was also reported as functionally impaired in a study assessing CHEK2-complementation through quantification of KAP1 phosphorylation and CHK2 autophosphorylation in human RPE1-CHEK2-knockout cells (Stolarova L et al. Clin Cancer Res, 2023 Aug;29:3037-3050). This amino acid position is highly conserved in available vertebrate species. In addition, the in silico prediction for this alteration is inconclusive. Since supporting evidence is limited at this time, the clinical significance of this alteration remains unclear.

Department of Pathology and Laboratory Medicine, Sinai Health System
Classification: Uncertain significance for CHEK2-related cancer predisposition. Last evaluated: 2022-07-25. Review status: criteria provided, single submitter. Criteria: ACMG Guidelines, 2015. Collection method: clinical testing. Allele origin: germline. Affected: yes.

Labcorp Genetics (formerly Invitae), Labcorp
Classification: Uncertain significance for Familial cancer of breast. Last evaluated: 2022-03-27. Review status: criteria provided, single submitter. Criteria: Invitae Variant Classification Sherloc (09022015). Collection method: clinical testing. Allele origin: germline.
Comment: In summary, the available evidence is currently insufficient to determine the role of this variant in disease. Therefore, it has been classified as a Variant of Uncertain Significance. Algorithms developed to predict the effect of missense changes on protein structure and function are either unavailable or do not agree on the potential impact of this missense change (SIFT: "Deleterious"; PolyPhen-2: "Probably Damaging"; Align-GVGD: "Class C0"). ClinVar contains an entry for this variant (Variation ID: 658105). This variant has not been reported in the literature in individuals affected with CHEK2-related conditions. This variant is not present in population databases (gnomAD no frequency). This sequence change replaces asparagine, which is neutral and polar, with aspartic acid, which is acidic and polar, at codon 352 of the CHEK2 protein (p.Asn352Asp).

Literature cited by the submitters: PubMed 30851065 (cited by Color Diagnostics, LLC DBA Color Health and Ambry Genetics); PubMed 37449874 (cited by Color Diagnostics, LLC DBA Color Health and Ambry Genetics).